The following is an entry in ClinVar:

NM_000388.4(CASR):c.2254C>T (p.Arg752Cys)

Gene: CASR (calcium sensing receptor; plus strand). Cytogenetic location: 3q21.1.
Variant type: single nucleotide variant.
Coding change: c.2254C>T on transcript NM_000388.4 (MANE Select); coding-DNA position 2254, C replaced by T.
Protein change: p.Arg752Cys; replaces arginine 752 with cysteine.
Molecular consequence: missense variant.
Genome position (GRCh38, 1-based): chr3:122,284,208, C>T. VCF-style: chr3-122284208-C-T. GRCh37 (hg19) VCF-style: chr3-122003055-C-T.
Other names: c.2284C>T, p.Arg762Cys (NM_001178065.2); short protein forms R752C, R762C.
Identifiers: ClinVar variation 35790 (VCV000035790.16), dbSNP rs193922434, ClinGen allele CA213584.

ClinVar aggregate classification (germline): Conflicting classifications of pathogenicity. Review status: criteria provided, conflicting classifications (1 of 4 stars). 4 submissions from 4 submitters: Likely pathogenic (2); Uncertain significance (2). Last evaluated 2025-06-02.

Conditions:
Familial hypocalciuric hypercalcemia (FHH). Also called: Familial benign hypercalcemia. Identifiers: Orphanet 405, MedGen C1809471, MONDO:0018458.
Autosomal dominant hypocalcemia 1 (HYPOC1). Also called: HYPOCALCEMIA, FAMILIAL. Identifiers: MedGen C3715128, MONDO:0011013, OMIM 601198.

gnomAD v4.1: 1 of 1,614,040 alleles (0.000062%); highest among the groups gnomAD compares: South Asian, 0.0011%; no homozygotes.

Submissions (4):

Labcorp Genetics (formerly Invitae), Labcorp
Classification: Likely pathogenic for Familial hypocalciuric hypercalcemia; Autosomal dominant hypocalcemia 1. Last evaluated: 2025-06-02. Review status: criteria provided, single submitter. Criteria: Invitae Variant Classification Sherloc (09022015). Collection method: clinical testing. Allele origin: germline.
Comment: This sequence change replaces arginine, which is basic and polar, with cysteine, which is neutral and slightly polar, at codon 752 of the CASR protein (p.Arg752Cys). This variant is not present in population databases (gnomAD no frequency). This missense change has been observed in individual(s) with familial hypocalciuric hypercalcemia (PMID: 22422767). Invitae Evidence Modeling of clinical and family history, age, sex, and reported ancestry of multiple individuals with this CASR variant has been performed. This variant is expected to be pathogenic with a positive predictive value of at least 99%. This is a validated machine learning model that incorporates the clinical features of 646,172 individuals referred to our laboratory for CASR testing. ClinVar contains an entry for this variant (Variation ID: 35790). An algorithm developed to predict the effect of missense changes on protein structure and function (PolyPhen-2) suggests that this variant is likely to be disruptive. In summary, the currently available evidence indicates that the variant is pathogenic, but additional data are needed to prove that conclusively. Therefore, this variant has been classified as Likely Pathogenic.

Hormonlaboratory, Oslo University Hospital
Classification: Likely pathogenic for Familial hypocalciuric hypercalcemia. Last evaluated: 2025-01-10. Review status: criteria provided, single submitter. Criteria: ACMG Guidelines, 2015. Collection method: clinical testing. Allele origin: germline. Affected: yes. Observed: 6 variant alleles, 6 heterozygotes. Clinical features observed: ORPHA:405.
Comment: In summary: The variant, CASR c2254C>T; p.(Arg752Cys) is classified as likely pathogenic for Familial Hypocalciuric Hypercalcemia (FHH) based on the following criteria: The missense variant is predicted to change a highly conserved amino acid. There is a large physico-chemical difference between the amino acids. In-silico prediction (REVEL) is supporting a damaging effect on protein function (PP3). Our laboratory has observed this variant in 6 individuals from 5 different families, tested for a phenotype consistant with FHH (PS4, PP4). This variant is not reported in gnomAD vs 2 (PM2-S). It has been reported in the literature in individuals affected with FHH (PMID: 22422767). The variant is reported 3 times in ClinVar as a variant of uncertain significance. Both overall constraint and local constraint metrics in gnomAD vs2 support the use of PP2.

GeneDx
Classification: Uncertain significance. Last evaluated: 2019-07-31. Review status: criteria provided, single submitter. Criteria: GeneDx Variant Classification Process June 2021. Collection method: clinical testing. Allele origin: germline. Affected: yes.
Comment: Not observed in large population cohorts (Lek et al., 2016); In silico analysis, which includes protein predictors and evolutionary conservation, supports a deleterious effect; This variant is associated with the following publications: (PMID: 22422767)

Women's Health and Genetics/Laboratory Corporation of America, LabCorp
Classification: Uncertain significance. Last evaluated: 2019-01-22. Review status: criteria provided, single submitter. Criteria: LabCorp Variant Classification Summary - May 2015. Collection method: clinical testing. Allele origin: germline.
Comment: Variant summary: The variant, CASR c.2254C>T (p.Arg752Cys) results in a non-conservative amino acid change located in the GPCR family 3, C-terminal domain of the encoded protein sequence. Five of five in-silico tools predict a damaging effect of the variant on protein function. The variant was absent in 245378 control chromosomes (gnomAD). The available data on variant occurrences in the general population are insufficient to allow any conclusion about variant significance. The variant c.2254C>T has been reported in the literature in individuals affected with Familial Hypocalciuric Hypercalcemia (Hannan_2012). However, this report does not provide unequivocal conclusions about association of the variant with Familial Hypocalciuric Hypercalcemia (FHH). To our knowledge, no experimental evidence demonstrating an impact on protein function has been reported. One clinical diagnostic laboratory has submitted clinical-significance assessments for this variant to ClinVar after 2014 without evidence for independent evaluation and classified the variant as uncertain significance. Based on the evidence outlined above, the variant was classified as uncertain significance.

Literature cited by the submitters: PubMed 22422767 (cited by 3 submitters).